The following is an entry in ClinVar:

NM_001371928.1(AHDC1):c.3740T>G (p.Leu1247Arg)

Gene: AHDC1 (AT-hook DNA binding motif containing 1; minus strand). Cytogenetic location: 1p36.11.
Variant type: single nucleotide variant.
Coding change: c.3740T>G on transcript NM_001371928.1 (MANE Select); coding-DNA position 3740, T replaced by G.
Protein change: p.Leu1247Arg; replaces leucine 1247 with arginine.
Molecular consequence: missense variant.
Genome position (GRCh38, 1-based): chr1:27,548,376, A>C on the plus strand (T>G on the coding strand, the complement: AHDC1 is on the minus strand). VCF-style: chr1-27548376-A-C. GRCh37 (hg19) VCF-style: chr1-27874887-A-C.
Other names: c.3740T>G, p.Leu1247Arg (NM_001029882.3); short protein forms L1247R.
Identifiers: ClinVar variation 3660465 (VCV003660465.2).
Genomic context (GRCh38, chr1:27,548,376, plus strand): 5'-CCAGTGCTCCGTTTGGATGGGTAGCCTGAGGCAGCGGCAGAGGCGGATGTCGGGAAGCCC[A>C]GATGTGAGGCCTCGAACAGGTCCACCTTCTTCCGCCGTCCACGGCCCGGCTTGGAGCTAC-3'
Protein context (NP_001358857.1, residues 1237-1257): KKVDLFEASH[Leu1247Arg]GFPTSASAAA

ClinVar aggregate classification (germline): Uncertain significance (1 of 4 stars; one submission).

Submission:

Labcorp Genetics (formerly Invitae), Labcorp
Classification: Uncertain significance. Last evaluated: 2025-09-02. Review status: criteria provided, single submitter. Criteria: Invitae Variant Classification Sherloc (09022015). Collection method: clinical testing. Allele origin: germline.
Comment: This sequence change replaces leucine, which is neutral and non-polar, with arginine, which is basic and polar, at codon 1247 of the AHDC1 protein (p.Leu1247Arg). This variant is not present in population databases (gnomAD no frequency). This variant has not been reported in the literature in individuals affected with AHDC1-related conditions. ClinVar contains an entry for this variant (Variation ID: 3660465). An algorithm developed to predict the effect of missense changes on protein structure and function (PolyPhen-2) suggests that this variant is likely to be disruptive. In summary, the available evidence is currently insufficient to determine the role of this variant in disease. Therefore, it has been classified as a Variant of Uncertain Significance.